The following is an entry in ClinVar:

NM_015910.7(WDPCP):c.1915+13G>A

Gene: WDPCP (WD repeat containing planar cell polarity effector; minus strand). Cytogenetic location: 2p15.
Variant type: single nucleotide variant.
Coding change: c.1915+13G>A on transcript NM_015910.7 (MANE Select); 13 bases into the intron after coding-DNA position 1915, G replaced by A.
Molecular consequence: intron variant.
Genome position (GRCh38, 1-based): chr2:63,259,294, C>T on the plus strand (G>A on the coding strand, the complement: WDPCP is on the minus strand). VCF-style: chr2-63259294-C-T. GRCh37 (hg19) VCF-style: chr2-63486429-C-T.
Other names: c.1843+13G>A (NM_001354044.2); c.1438+13G>A (NM_001042692.3).
Identifiers: ClinVar variation 95744 (VCV000095744.27), dbSNP rs992214, ClinGen allele CA148790.

ClinVar aggregate classification (germline): Benign. Review status: criteria provided, multiple submitters, no conflicts (2 of 4 stars). 12 submissions from 11 submitters: Benign (10). 2 of the submissions do not count toward it. Last evaluated 2026-02-04.

Conditions:
Bardet-Biedl syndrome 15 (BBS15). Identifiers: Orphanet 110, MedGen C3150127, MONDO:0014443, OMIM 615992.
Bardet-Biedl syndrome 1 (BBS1). Identifiers: MedGen C2936862, MONDO:0008854, OMIM 209900. Disease mechanism: loss of function.
Heart defect - tongue hamartoma - polysyndactyly syndrome. Also called: Congenital heart defects, hamartomas of tongue, and polysyndactyly. Identifiers: Orphanet 1338, MedGen C1857587, MONDO:0009008, OMIM 217085.
Bardet-Biedl syndrome (BBS). Identifiers: Orphanet 110, MedGen C0752166, MONDO:0015229.

Allele frequency attached by ClinVar (database versions not stated): gnomAD exomes 0.53195 and 0.60361; ExAC 0.60528; ESP Exome Variant Server 0.62290; gnomAD 0.63738 and 0.64077; TOPMed 0.66712; 1000 Genomes Project 0.76378; 1000 Genomes Project 30x 0.76624.
gnomAD v4.1: 870,782 of 1,600,990 alleles (54%); highest among the groups gnomAD compares: African/African-American, 90%; 249,488 homozygotes.

Submissions (12):

Labcorp Genetics (formerly Invitae), Labcorp
Classification: Benign for Bardet-Biedl syndrome. Last evaluated: 2026-02-04. Review status: criteria provided, single submitter. Criteria: Invitae Variant Classification Sherloc (09022015). Collection method: clinical testing. Allele origin: germline.

Blueprint Genetics
Classification: Benign. Last evaluated: 2024-11-26. Review status: criteria provided, single submitter. Criteria: ACMG Guidelines, 2015. Collection method: clinical testing. Allele origin: germline.

Genome-Nilou Lab
Classification: Benign for Heart defect - tongue hamartoma - polysyndactyly syndrome. Last evaluated: 2021-12-05. Review status: criteria provided, single submitter. Criteria: ACMG Guidelines, 2015. Collection method: clinical testing. Allele origin: germline. Affected: no.

Genome-Nilou Lab
Classification: Benign for Bardet-Biedl syndrome 15. Last evaluated: 2021-12-05. Review status: criteria provided, single submitter. Criteria: ACMG Guidelines, 2015. Collection method: clinical testing. Allele origin: germline. Affected: no.

GeneDx
Classification: Benign. Last evaluated: 2020-05-29. Review status: criteria provided, single submitter. Criteria: GeneDx Variant Classification Process June 2021. Collection method: clinical testing. Allele origin: germline. Affected: yes.

Illumina Laboratory Services, Illumina
Classification: Benign for Bardet-Biedl syndrome 15. Last evaluated: 2018-01-12. Review status: criteria provided, single submitter. Criteria: ICSL Variant Classification Criteria 13 December 2019. Collection method: clinical testing. Allele origin: germline.
Comment: This variant was observed in the ICSL laboratory as part of a predisposition screen in an ostensibly healthy population. It had not been previously curated by ICSL or reported in the Human Gene Mutation Database (HGMD: prior to June 1st, 2018), and was therefore a candidate for classification through an automated scoring system. Utilizing variant allele frequency, disease prevalence and penetrance estimates, and inheritance mode, an automated score was calculated to assess if this variant is too frequent to cause the disease. Based on the score and internal cut-off values, a variant classified as benign is not then subjected to further curation. The score for this variant resulted in a classification of benign for this disease.

Clinical Genetics DNA and cytogenetics Diagnostics Lab, Erasmus MC, Erasmus Medical Center
Classification: Benign for Bardet-Biedl syndrome 1. Last evaluated: 2015-09-21. Review status: criteria provided, single submitter. Criteria: ACGS Guidelines, 2013. Collection method: clinical testing. Allele origin: germline. Affected: yes. Study: VKGL Data-share Consensus.

Eurofins Ntd Llc (ga)
Classification: Benign. Last evaluated: 2013-03-06. Review status: criteria provided, single submitter. Criteria: EGL Classification Definitions 2015. Collection method: clinical testing. Allele origin: germline. Observed: 1 variant allele, 1 heterozygote.

Breakthrough Genomics
Classification: Benign. Review status: criteria provided, single submitter. Criteria: ACMG Guidelines, 2015. Collection method: not provided. Allele origin: germline. Inheritance: Autosomal recessive inheritance. Affected: yes.

PreventionGenetics, part of Exact Sciences
Classification: Benign. Review status: criteria provided, single submitter. Criteria: ACMG Guidelines, 2015. Collection method: clinical testing. Allele origin: germline.

Diagnostic Laboratory, Department of Genetics, University Medical Center Groningen
Classification: Benign for Bardet-Biedl syndrome 1. Review status: no assertion criteria provided. Collection method: clinical testing. Allele origin: germline. Affected: yes. Study: VKGL Data-share Consensus. Not counted in ClinVar's aggregate classification.

Joint Genome Diagnostic Labs from Nijmegen and Maastricht, Radboudumc and MUMC+
Classification: Benign. Review status: no assertion criteria provided. Collection method: clinical testing. Allele origin: germline. Affected: yes. Study: VKGL Data-share Consensus. Not counted in ClinVar's aggregate classification.